The following is an entry in ClinVar:

ClinVar aggregate classification (germline): Pathogenic, low penetrance (1 of 4 stars; one submission).

Conditions:
Atypical hemolytic-uremic syndrome. Identifiers: Orphanet 2134, MedGen C2931788, MONDO:0016244.

Submission:

Genomenon, Inc
Classification: Pathogenic, low penetrance for Atypical hemolytic-uremic syndrome. Last evaluated: 2025-10-02. Review status: criteria provided, single submitter. Criteria: Genomenon Sequence Variant Interpretation Standards - Updated. Collection method: curation. Allele origin: germline. Affected: yes.
Comment: CFH c.2782+2T>G is a canonical splice variant located in the donor splice region of intron 17. It is predicted to affect mRNA splicing, leading to a deleterious effect on the CFH protein. This variant has been observed in at least one proband affected with atypical hemolytic-uremic syndrome (PMID:23307876). It is absent or not present at a significant frequency in gnomAD. In conclusion, we classify CFH c.2782+2T>G as a pathogenic, low penetrance variant.

Literature cited by the submitters: PubMed 23307876.

NM_000186.4(CFH):c.2782+2T>G

Gene: CFH (complement factor H; plus strand). Cytogenetic location: 1q31.3.
Variant type: single nucleotide variant.
Coding change: c.2782+2T>G on transcript NM_000186.4 (MANE Select); the canonical splice donor site of the intron after coding-DNA position 2782, T replaced by G.
Molecular consequence: splice donor variant.
Genome position (GRCh38, 1-based): chr1:196,737,662, T>G. VCF-style: chr1-196737662-T-G. GRCh37 (hg19) VCF-style: chr1-196706792-T-G.
Identifiers: ClinVar variation 4291512 (VCV004291512.1).